The following is an entry in ClinVar:

ClinVar aggregate classification (germline): Uncertain significance (1 of 4 stars; one submission).

Conditions:
Charcot-Marie-Tooth disease type 4. Also called: Charcot-Marie-Tooth disease, type IV; Charcot-Marie-Tooth, Type 4. Identifiers: Orphanet 64749, MedGen C4082197, MONDO:0018995.

gnomAD v4.1: 1 of 1,612,434 alleles (0.000062%); highest among the groups gnomAD compares: Non-Finnish European, 0.000085%; no homozygotes.

Submission:

Labcorp Genetics (formerly Invitae), Labcorp
Classification: Uncertain significance for Charcot-Marie-Tooth disease type 4. Last evaluated: 2022-10-17. Review status: criteria provided, single submitter. Criteria: Invitae Variant Classification Sherloc (09022015). Collection method: clinical testing. Allele origin: germline.
Comment: In summary, the available evidence is currently insufficient to determine the role of this variant in disease. Therefore, it has been classified as a Variant of Uncertain Significance. Variants that disrupt the consensus splice site are a relatively common cause of aberrant splicing (PMID: 17576681, 9536098). Algorithms developed to predict the effect of sequence changes on RNA splicing suggest that this variant may disrupt the consensus splice site. This variant has not been reported in the literature in individuals affected with SH3TC2-related conditions. This variant is not present in population databases (gnomAD no frequency). This sequence change falls in intron 6 of the SH3TC2 gene. It does not directly change the encoded amino acid sequence of the SH3TC2 protein. It affects a nucleotide within the consensus splice site.

Literature cited by the submitters: PubMed 17576681; PubMed 9536098.

NM_024577.4(SH3TC2):c.731+4A>G

Gene: SH3TC2 (SH3 domain and tetratricopeptide repeats 2; minus strand). Cytogenetic location: 5q32.
Variant type: single nucleotide variant.
Coding change: c.731+4A>G on transcript NM_024577.4 (MANE Select); 4 bases into the intron after coding-DNA position 731, A replaced by G.
Molecular consequence: intron variant.
Genome position (GRCh38, 1-based): chr5:149,041,412, T>C on the plus strand (A>G on the coding strand, the complement: SH3TC2 is on the minus strand). VCF-style: chr5-149041412-T-C. GRCh37 (hg19) VCF-style: chr5-148420975-T-C.
Identifiers: ClinVar variation 2021422 (VCV002021422.4), dbSNP rs2531791352, ClinGen allele CA2580073828.
Genomic context (GRCh38, chr5:149,041,412, plus strand): 5'-CTCTGTTCTGTGCAAACCTCAGTCTGCTCTGGGACTTGCTCCCAGGAGGCAGATGGCTAC[T>C]CACTGGTGGAAAGGGAGAGGCAGAGGCTCCAAGGCTGACACCAGTACCAGGCCCCGCTGA-3'